The following is an entry in ClinVar:

ClinVar aggregate classification (germline): Uncertain significance. Review status: criteria provided, multiple submitters, no conflicts (2 of 4 stars). 2 submissions from 2 submitters: Uncertain significance (2). Last evaluated 2025-06-23.

Conditions:
SLC24A5-related disorder. Also called: SLC24A5-related condition.

Submissions (2):

Labcorp Genetics (formerly Invitae), Labcorp
Classification: Uncertain significance. Last evaluated: 2025-06-23. Review status: criteria provided, single submitter. Criteria: Invitae Variant Classification Sherloc (09022015). Collection method: clinical testing. Allele origin: germline.
Comment: This sequence change creates a premature translational stop signal (p.Ile469Metfs*16) in the SLC24A5 gene. While this is not anticipated to result in nonsense mediated decay, it is expected to disrupt the last 32 amino acid(s) of the SLC24A5 protein. This variant is present in population databases (rs746029159, gnomAD 0.004%). This variant has not been reported in the literature in individuals affected with SLC24A5-related conditions. ClinVar contains an entry for this variant (Variation ID: 2418303). In summary, the available evidence is currently insufficient to determine the role of this variant in disease. Therefore, it has been classified as a Variant of Uncertain Significance.

PreventionGenetics, part of Exact Sciences
Classification: Uncertain significance for SLC24A5-related condition. Last evaluated: 2025-05-13. Review status: criteria provided, single submitter. Criteria: ACMG Guidelines, 2015. Collection method: clinical testing. Allele origin: germline.
Comment: The SLC24A5 c.1407_1411del5 variant is predicted to result in a frameshift and premature protein termination (p.Ile469Metfs*16). To our knowledge, this variant has not been reported in the literature. To our knowledge, there are no documented causative variants downstream of the p.Ile469Metfs*16 variant identified in this individual. This variant is reported in 0.0040% of alleles in individuals of European (Non-Finnish) descent in gnomAD. At this time, the clinical significance of this variant is uncertain due to the absence of conclusive functional and genetic evidence.

NM_205850.3(SLC24A5):c.1407_1411del (p.Ile469fs)

Genes: MYEF2 (myelin expression factor 2; minus strand), SLC24A5 (solute carrier family 24 member 5; plus strand). Cytogenetic location: 15q21.1.
Variant type: Deletion.
Coding change: c.1407_1411del on transcript NM_205850.3 (MANE Select); coding-DNA positions 1407 to 1411, 5 bases deleted (AGTCT; older notation c.1407_1411delAGTCT).
Protein change: p.Ile469fs; shifts the reading frame from isoleucine 469.
Molecular consequence: frameshift variant. On other transcripts: 3 prime UTR variant (2).
Genome position (GRCh38, 1-based): chr15:48,142,255-48,142,259, AGTCT deleted; deleting any 5 consecutive bases within chr15:48,142,254-48,142,259 gives the same sequence; the c. name uses the placement nearest the transcript's 3' end. VCF-style (leftmost placement, unchanged base first): chr15-48142253-ATAGTC-A. GRCh37 (hg19) VCF-style: chr15-48434450-ATAGTC-A.
Other names: c.*650_*654del (NM_001301210.2, NM_016132.5); c.1407_1411del5 (NM_205850.2); short protein forms I469fs.
Identifiers: ClinVar variation 2418303 (VCV002418303.5), dbSNP rs746029159, ClinGen allele CA7546124.